The following is an entry in ClinVar:

ClinVar aggregate classification (germline): Pathogenic (1 of 4 stars; one submission).

Conditions:
Ehlers-Danlos syndrome due to tenascin-X deficiency (EDSCLL1). Also called: EDS DUE TO TNX DEFICIENCY; TNX DEFICIENCY; Ehlers-Danlos syndrome, classic-like, 1; EHLERS-DANLOS SYNDROME, CLASSIC-LIKE; TNXB-Related Classical-Like Ehlers-Danlos Syndrome. Identifiers: Orphanet 230839, MedGen C1848029, MONDO:0011670, OMIM 606408.

Submission:

Myriad Genetics, Inc.
Classification: Pathogenic for Ehlers-Danlos syndrome due to tenascin-X deficiency. Last evaluated: 2026-06-07. Review status: criteria provided, single submitter. Criteria: Myriad Autosomal Dominant, Autosomal Recessive and X-Linked Classification Criteria (2023). Collection method: clinical testing. Allele origin: unknown.
Comment: NM_019105.6(TNXB):c.7957_7958insCT(G2653Afs*43) is expected to be pathogenic in the context of classical-like Ehlers-Danlos syndrome, TNXB-related. This variant is predicted to lead to an abnormal or absent protein product due to the creation of a premature termination codon in TNXB, a gene where loss-of-function variants are known to be pathogenic. Please note: this variant was assessed in the context of healthy population screening.

NM_001365276.2(TNXB):c.7957_7958insCT (p.Gly2653fs)

Gene: TNXB (tenascin XB; minus strand). Cytogenetic location: 6p21.33.
Variant type: Insertion.
Coding change: c.7957_7958insCT on transcript NM_001365276.2 (MANE Select); coding-DNA positions 7957 to 7958, CT inserted.
Protein change: p.Gly2653fs; shifts the reading frame from glycine 2653.
Molecular consequence: frameshift variant.
Genome position: GRCh38 VCF-style: chr6-32056771-C-CAG. GRCh37 (hg19) VCF-style: chr6-32024548-C-CAG.
Other names: c.8698_8699insCT, p.Gly2900fs (NM_001428335.1); c.7957_7958insCT, p.Gly2653fs (NM_019105.8); short protein forms G2653fs, G2900fs.
Identifiers: ClinVar variation 5016004 (VCV005016004.1).